The following is an entry in ClinVar:

NM_182961.4(SYNE1):c.20956C>T (p.Arg6986Cys)

Gene: SYNE1 (spectrin repeat containing nuclear envelope protein 1; minus strand). Cytogenetic location: 6q25.2.
Variant type: single nucleotide variant.
Coding change: c.20956C>T on transcript NM_182961.4 (MANE Select); coding-DNA position 20956, C replaced by T.
Protein change: p.Arg6986Cys; replaces arginine 6986 with cysteine.
Molecular consequence: missense variant.
Genome position (GRCh38, 1-based): chr6:152,231,474, G>A on the plus strand (C>T on the coding strand, the complement: SYNE1 is on the minus strand). VCF-style: chr6-152231474-G-A. GRCh37 (hg19) VCF-style: chr6-152552609-G-A.
Other names: c.20743C>T, p.Arg6915Cys (NM_033071.5); short protein forms R6915C, R6986C.
Identifiers: ClinVar variation 2193044 (VCV002193044.6), dbSNP rs1259236726, ClinGen allele CA366114717.
Genomic context (GRCh38, chr6:152,231,474, plus strand): 5'-GAATTTGCCAACTTTTATTCATTGCTCCAAGTTGCTCAGCAAAATCAGTCTTATCACTAC[G>A]CTTACTTTCCACATCCTGACTGCTGATTTGTAGCACGGACTGGTTCACAAAATCCACTGT-3'
Protein context (NP_892006.3, residues 6976-6996): QISSQDVESK[Arg6986Cys]SDKTDFAEQL

ClinVar aggregate classification (germline): Uncertain significance. Review status: criteria provided, multiple submitters, no conflicts (2 of 4 stars). 2 submissions from 2 submitters: Uncertain significance (2). Last evaluated 2025-10-02.

Conditions:
Autosomal recessive ataxia, Beauce type. Also called: SYNE1-Related Autosomal Recessive Cerebellar Ataxia; Spinocerebellar ataxia, autosomal recessive 8; ATAXIA, RECESSIVE, OF BEAUCE; SYNE1 Deficiency. Identifiers: Orphanet 88644, MedGen C1853116, MONDO:0012549, OMIM 610743.
Emery-Dreifuss muscular dystrophy 4, autosomal dominant (EDMD4). Also called: EMERY-DREIFUSS MUSCULAR DYSTROPHY 4 WITH VARIABLE FEATURES. Identifiers: Orphanet 261, MedGen C2751807, MONDO:0013071, OMIM 612998.
Arthrogryposis multiplex congenita 3, myogenic type. Also called: ARTHROGRYPOSIS MULTIPLEX CONGENITA, MYOGENIC TYPE. Identifiers: MedGen C5193121, MONDO:0032778, OMIM 618484.

Allele frequency attached by ClinVar (database versions not stated): gnomAD 0.00001; TOPMed 0.00001.
gnomAD v4.1: 35 of 1,613,842 alleles (0.0022%); highest among the groups gnomAD compares: Non-Finnish European, 0.0028%; no homozygotes.

Submissions (2):

Labcorp Genetics (formerly Invitae), Labcorp
Classification: Uncertain significance for Emery-Dreifuss muscular dystrophy 4, autosomal dominant; Autosomal recessive ataxia, Beauce type. Last evaluated: 2025-10-02. Review status: criteria provided, single submitter. Criteria: Invitae Variant Classification Sherloc (09022015). Collection method: clinical testing. Allele origin: germline.
Comment: This sequence change replaces arginine, which is basic and polar, with cysteine, which is neutral and slightly polar, at codon 6915 of the SYNE1 protein (p.Arg6915Cys). This variant is present in population databases (no rsID available, gnomAD 0.0008%). This variant has not been reported in the literature in individuals affected with SYNE1-related conditions. ClinVar contains an entry for this variant (Variation ID: 2193044). An algorithm developed to predict the effect of missense changes on protein structure and function (PolyPhen-2) suggests that this variant is likely to be disruptive. Algorithms developed to predict the effect of sequence changes on RNA splicing suggest that this variant may create or strengthen a splice site. In summary, the available evidence is currently insufficient to determine the role of this variant in disease. Therefore, it has been classified as a Variant of Uncertain Significance.

Juno Genomics, Hangzhou Juno Genomics, Inc
Classification: Uncertain significance for Arthrogryposis multiplex congenita 3, myogenic type; Emery-Dreifuss muscular dystrophy 4, autosomal dominant; Autosomal recessive ataxia, Beauce type. Review status: criteria provided, single submitter. Criteria: ACMG Guidelines, 2015. Collection method: clinical testing. Allele origin: germline.
Comment: Absent from controls (or at extremely low frequency if recessive) in Genome Aggregation Database.;Missense variant in a gene that has a low rate of benign missense variation.